The following is an entry in ClinVar:

NM_000297.4(PKD2):c.1899-10A>T

Gene: PKD2 (polycystin 2, transient receptor potential cation channel; plus strand). Cytogenetic location: 4q22.1.
Variant type: single nucleotide variant.
Coding change: c.1899-10A>T on transcript NM_000297.4 (MANE Select); 10 bases into the intron before coding-DNA position 1899, A replaced by T.
Molecular consequence: intron variant.
Genome position (GRCh38, 1-based): chr4:88,057,973, A>T. VCF-style: chr4-88057973-A-T. GRCh37 (hg19) VCF-style: chr4-88979125-A-T.
Other names: NC_000004.11:g.88979125A>T; c.1899-10A>T (NM_000297.3); c.1674-10A>T (NM_001440544.1).
Identifiers: ClinVar variation 4308941 (VCV004308941.2).
Genomic context (GRCh38, chr4:88,057,973, plus strand): 5'-TAAGAAATGTTGCATCAACTAGTGGACATTCTTTGTTTTTGTATTGTGGTGTTTTGTTTT[A>T]TTTTTATAGCTTCACTCAATTCCGTATCATTTTGGGCGATATCAACTTTGCAGAGATTGA-3'

ClinVar aggregate classification (germline): Likely benign (1 of 4 stars; one submission).

Conditions:
PKD2-related disorder. Also called: PKD2-related condition.

gnomAD v4.1: 2 of 1,588,702 alleles (0.00013%); highest among the groups gnomAD compares: Non-Finnish European, 0.00017%; no homozygotes.

Submissions (3):

PreventionGenetics, part of Exact Sciences
Classification: Likely benign for PKD2-related condition. Last evaluated: 2025-01-03. Review status: criteria provided, single submitter. Criteria: ACMG Guidelines, 2015. Collection method: clinical testing. Allele origin: germline.
Comment: This variant is classified as likely benign based on ACMG/AMP sequence variant interpretation guidelines (Richards et al. 2015 PMID: 25741868, with internal and published modifications).

Dr. Peter K. Rogan Lab, Western University
No classification provided (evidence only). Condition: Acute myeloid leukemia. Review status: no classification provided. Collection method: in vitro. Allele origin: not applicable. Functional consequence: retained intron. Not counted in ClinVar's aggregate classification.

Dr. Peter K. Rogan Lab, Western University
No classification provided (evidence only). Condition: Acute myeloid leukemia. Review status: no classification provided. Collection method: in vitro. Allele origin: not applicable. Functional consequence: retained intron. Not counted in ClinVar's aggregate classification.